The following is an entry in ClinVar:

NM_001011713.3(NAA30):c.227A>G (p.Gln76Arg)

Gene: NAA30 (N-alpha-acetyltransferase 30, NatC catalytic subunit; plus strand). Cytogenetic location: 14q22.3.
Variant type: single nucleotide variant.
Coding change: c.227A>G on transcript NM_001011713.3 (MANE Select); coding-DNA position 227, A replaced by G.
Protein change: p.Gln76Arg; replaces glutamine 76 with arginine.
Molecular consequence: missense variant.
Genome position (GRCh38, 1-based): chr14:57,391,184, A>G. VCF-style: chr14-57391184-A-G. GRCh37 (hg19) VCF-style: chr14-57857902-A-G.
Other names: short protein forms Q76R.
Identifiers: ClinVar variation 3728336 (VCV003728336.2).

ClinVar aggregate classification (germline): Uncertain significance (1 of 4 stars; one submission).

gnomAD v4.1: 1 of 1,610,490 alleles (0.000062%); no homozygotes.

Submission:

Labcorp Genetics (formerly Invitae), Labcorp
Classification: Uncertain significance. Last evaluated: 2024-12-31. Review status: criteria provided, single submitter. Criteria: Invitae Variant Classification Sherloc (09022015). Collection method: clinical testing. Allele origin: germline.
Comment: This sequence change replaces glutamine, which is neutral and polar, with arginine, which is basic and polar, at codon 76 of the NAA30 protein (p.Gln76Arg). This variant is not present in population databases (gnomAD no frequency). This variant has not been reported in the literature in individuals affected with NAA30-related conditions. An algorithm developed to predict the effect of missense changes on protein structure and function (PolyPhen-2) suggests that this variant is likely to be tolerated. In summary, the available evidence is currently insufficient to determine the role of this variant in disease. Therefore, it has been classified as a Variant of Uncertain Significance.